The following is an entry in ClinVar:

NM_206933.4(USH2A):c.6423G>A (p.Leu2141=)

Gene: USH2A (usherin; minus strand). Cytogenetic location: 1q41.
Variant type: single nucleotide variant.
Coding change: c.6423G>A on transcript NM_206933.4 (MANE Select); coding-DNA position 6423, G replaced by A.
Protein change: p.Leu2141=; no amino-acid change (leucine 2141 retained).
Molecular consequence: synonymous variant.
Genome position (GRCh38, 1-based): chr1:216,000,465, C>T on the plus strand (G>A on the coding strand, the complement: USH2A is on the minus strand). VCF-style: chr1-216000465-C-T. GRCh37 (hg19) VCF-style: chr1-216173807-C-T.
Identifiers: ClinVar variation 4530869 (VCV004530869.1).

ClinVar aggregate classification (germline): Uncertain significance (1 of 4 stars; one submission).

gnomAD v4.1: 1 of 1,613,734 alleles (0.000062%); highest among the groups gnomAD compares: South Asian, 0.0011%; no homozygotes.

Submission:

GeneDx
Classification: Uncertain significance. Last evaluated: 2025-05-20. Review status: criteria provided, single submitter. Criteria: GeneDx Variant Classification Process June 2021. Collection method: clinical testing. Allele origin: germline. Affected: yes.
Comment: Not observed at significant frequency in large population cohorts (gnomAD); In silico analysis suggests that this variant does not alter splicing; Has not been previously published as pathogenic or benign to our knowledge